The following is an entry in ClinVar:

NM_001036.6(RYR3):c.4582C>A (p.Pro1528Thr)

Gene: RYR3 (ryanodine receptor 3; plus strand). Cytogenetic location: 15q14.
Variant type: single nucleotide variant.
Coding change: c.4582C>A on transcript NM_001036.6 (MANE Select); coding-DNA position 4582, C replaced by A.
Protein change: p.Pro1528Thr; replaces proline 1528 with threonine.
Molecular consequence: missense variant.
Genome position (GRCh38, 1-based): chr15:33,660,383, C>A. VCF-style: chr15-33660383-C-A. GRCh37 (hg19) VCF-style: chr15-33952584-C-A.
Other names: c.4582C>A, p.Pro1528Thr (NM_001243996.4); short protein forms P1528T.
Identifiers: ClinVar variation 959263 (VCV000959263.9), dbSNP rs2063089220, ClinGen allele CA391566820.

ClinVar aggregate classification (germline): Uncertain significance (1 of 4 stars; one submission).

Conditions:
Epileptic encephalopathy. Identifiers: MedGen C0543888, HP:0200134.

Submission:

Labcorp Genetics (formerly Invitae), Labcorp
Classification: Uncertain significance for Epileptic encephalopathy. Last evaluated: 2022-09-27. Review status: criteria provided, single submitter. Criteria: Invitae Variant Classification Sherloc (09022015). Collection method: clinical testing. Allele origin: germline.
Comment: This sequence change replaces proline, which is neutral and non-polar, with threonine, which is neutral and polar, at codon 1528 of the RYR3 protein (p.Pro1528Thr). This variant is not present in population databases (gnomAD no frequency). This variant has not been reported in the literature in individuals affected with RYR3-related conditions. ClinVar contains an entry for this variant (Variation ID: 959263). Algorithms developed to predict the effect of missense changes on protein structure and function (SIFT, PolyPhen-2, Align-GVGD) all suggest that this variant is likely to be disruptive. In summary, the available evidence is currently insufficient to determine the role of this variant in disease. Therefore, it has been classified as a Variant of Uncertain Significance.